The following is an entry in ClinVar:

NM_006904.7(PRKDC):c.5180G>C (p.Arg1727Thr)

Gene: PRKDC (protein kinase, DNA-activated, catalytic subunit; minus strand). Cytogenetic location: 8q11.21.
Variant type: single nucleotide variant.
Coding change: c.5180G>C on transcript NM_006904.7 (MANE Select); coding-DNA position 5180, G replaced by C.
Protein change: p.Arg1727Thr; replaces arginine 1727 with threonine.
Molecular consequence: missense variant.
Genome position (GRCh38, 1-based): chr8:47,879,546, C>G on the plus strand (G>C on the coding strand, the complement: PRKDC is on the minus strand). VCF-style: chr8-47879546-C-G. GRCh37 (hg19) VCF-style: chr8-48792107-C-G.
Other names: c.5180G>C, p.Arg1727Thr (NM_001081640.2); short protein forms R1727T.
Identifiers: ClinVar variation 1745855 (VCV001745855.2), dbSNP rs1468916716, ClinGen allele CA371138461.

ClinVar aggregate classification (germline): Uncertain significance (1 of 4 stars; one submission).

gnomAD v4.1: 7 of 1,597,712 alleles (0.00044%); highest among the groups gnomAD compares: South Asian, 0.008%; no homozygotes.

Submission:

Ambry Genetics
Classification: Uncertain significance. Last evaluated: 2022-10-19. Review status: criteria provided, single submitter. Criteria: Ambry Variant Classification Scheme 2023. Collection method: clinical testing. Allele origin: germline.
Comment: The p.R1727T variant (also known as c.5180G>C), located in coding exon 39 of the PRKDC gene, results from a G to C substitution at nucleotide position 5180. The arginine at codon 1727 is replaced by threonine, an amino acid with similar properties. This amino acid position is conserved. In addition, this alteration is predicted to be tolerated by in silico analysis. Since supporting evidence is limited at this time, the clinical significance of this alteration remains unclear.